The following is an entry in ClinVar:

ClinVar aggregate classification (germline): Benign. Review status: criteria provided, multiple submitters, no conflicts (2 of 4 stars). 3 submissions from 3 submitters: Benign (3). Last evaluated 2024-01-24.

Allele frequency attached by ClinVar (database versions not stated): 1000 Genomes Project 30x 0.42067; 1000 Genomes Project 0.42272; TOPMed 0.44908; gnomAD 0.46103 and 0.46222; gnomAD exomes 0.53306.
gnomAD v4.1: 647,015 of 1,235,134 alleles (52%); highest among the groups gnomAD compares: East Asian, 56%; 173,499 homozygotes.

Submissions (3):

Unidad de Genómica Garrahan, Hospital de Pediatría Garrahan
Classification: Benign. Last evaluated: 2024-01-24. Review status: criteria provided, single submitter. Criteria: ACMG Guidelines, 2015. Collection method: clinical testing. Allele origin: germline. Affected: no. Observed: 27 variant alleles.
Comment: This variant is classified as Benign based on local population frequency. This variant was detected in 28% of patients studied by a panel of primary immunodeficiencies. Number of patients: 27. Only high quality variants are reported.

GeneDx
Classification: Benign. Last evaluated: 2018-06-29. Review status: criteria provided, single submitter. Criteria: GeneDx Variant Classification Process June 2021. Collection method: clinical testing. Allele origin: germline. Affected: yes.

Breakthrough Genomics
Classification: Benign. Review status: criteria provided, single submitter. Criteria: ACMG Guidelines, 2015. Collection method: not provided. Allele origin: germline. Inheritance: Autosomal recessive inheritance. Affected: yes.

NM_020964.3(EPG5):c.3098+117C>A

Gene: EPG5 (ectopic P-granules 5 autophagy tethering factor; minus strand). Cytogenetic location: 18q21.1.
Variant type: single nucleotide variant.
Coding change: c.3098+117C>A on transcript NM_020964.3 (MANE Select); 117 bases into the intron after coding-DNA position 3098, C replaced by A.
Molecular consequence: intron variant.
Genome position (GRCh38, 1-based): chr18:45,922,224, G>T on the plus strand (C>A on the coding strand, the complement: EPG5 is on the minus strand). VCF-style: chr18-45922224-G-T. GRCh37 (hg19) VCF-style: chr18-43502190-G-T.
Identifiers: ClinVar variation 1254937 (VCV001254937.5), dbSNP rs1075906, ClinGen allele CA14516001.